The following is an entry in ClinVar:

NM_000059.4(BRCA2):c.5194C>T (p.Leu1732Phe)

Gene: BRCA2 (BRCA2 DNA repair associated; plus strand). Cytogenetic location: 13q13.1.
Variant type: single nucleotide variant.
Coding change: c.5194C>T on transcript NM_000059.4 (MANE Select); coding-DNA position 5194, C replaced by T.
Protein change: p.Leu1732Phe; replaces leucine 1732 with phenylalanine.
Molecular consequence: missense variant. On other transcripts: non-coding transcript variant (1), intron variant (2).
Genome position (GRCh38, 1-based): chr13:32,339,549, C>T. VCF-style: chr13-32339549-C-T. GRCh37 (hg19) VCF-style: chr13-32913686-C-T.
Other names: c.5194C>T, p.Leu1732Phe (NM_001406719.1, NM_001406720.1); c.1910-5009C>T (NM_001406721.1); c.425-5009C>T (NM_001406722.1); short protein forms L1732F.
Identifiers: ClinVar variation 2907890 (VCV002907890.4), dbSNP rs2137514913, ClinGen allele CA387784582.

ClinVar aggregate classification (germline): Uncertain significance. Review status: criteria provided, multiple submitters, no conflicts (2 of 4 stars). 2 submissions from 2 submitters: Uncertain significance (2). Last evaluated 2026-07-07.

Conditions:
Hereditary breast ovarian cancer syndrome. Also called: Hereditary breast and ovarian cancer syndrome; Hereditary breast and/or ovarian cancer syndrome; Hereditary breast and ovarian cancer syndrome (HBOC); BRCA1- and BRCA2-Associated Hereditary Breast and Ovarian Cancer; Hereditary breast and ovarian cancer; Breast and ovarian cancer. Identifiers: Orphanet 145, MedGen C0677776, MeSH D061325, MONDO:0003582. Disease mechanism: loss of function.
Hereditary cancer-predisposing syndrome. Also called: Hereditary Cancer Syndrome; Hereditary neoplastic syndrome; Neoplastic Syndromes, Hereditary; Tumor predisposition. Identifiers: Orphanet 140162, MedGen C0027672, MeSH D009386, MONDO:0015356.

Submissions (2):

Ambry Genetics
Classification: Uncertain significance for Hereditary cancer-predisposing syndrome. Last evaluated: 2026-07-07. Review status: criteria provided, single submitter. Criteria: Ambry Variant Classification Scheme 2023. Collection method: clinical testing. Allele origin: germline.
Comment: The p.L1732F variant (also known as c.5194C>T), located in coding exon 10 of the BRCA2 gene, results from a C to T substitution at nucleotide position 5194. The leucine at codon 1732 is replaced by phenylalanine, an amino acid with highly similar properties. This amino acid position is conserved. In addition, this alteration is predicted to be tolerated by in silico analysis. Based on the available evidence, the clinical significance of this variant remains unclear.

Labcorp Genetics (formerly Invitae), Labcorp
Classification: Uncertain significance for Hereditary breast ovarian cancer syndrome. Last evaluated: 2023-03-26. Review status: criteria provided, single submitter. Criteria: Invitae Variant Classification Sherloc (09022015). Collection method: clinical testing. Allele origin: germline.
Comment: In summary, the available evidence is currently insufficient to determine the role of this variant in disease. Therefore, it has been classified as a Variant of Uncertain Significance. Advanced modeling of protein sequence and biophysical properties (such as structural, functional, and spatial information, amino acid conservation, physicochemical variation, residue mobility, and thermodynamic stability) performed at Invitae indicates that this missense variant is not expected to disrupt BRCA2 protein function. This variant has not been reported in the literature in individuals affected with BRCA2-related conditions. This variant is not present in population databases (gnomAD no frequency). This sequence change replaces leucine, which is neutral and non-polar, with phenylalanine, which is neutral and non-polar, at codon 1732 of the BRCA2 protein (p.Leu1732Phe).